The following is an entry in ClinVar:

ClinVar aggregate classification (germline): Uncertain significance (1 of 4 stars; one submission).

Submission:

Labcorp Genetics (formerly Invitae), Labcorp
Classification: Uncertain significance. Last evaluated: 2022-12-11. Review status: criteria provided, single submitter. Criteria: Invitae Variant Classification Sherloc (09022015). Collection method: clinical testing. Allele origin: germline.
Comment: In summary, the available evidence is currently insufficient to determine the role of this variant in disease. Therefore, it has been classified as a Variant of Uncertain Significance. This variant has not been reported in the literature in individuals affected with LOXL3-related conditions. This variant is not present in population databases (gnomAD no frequency). This sequence change creates a premature translational stop signal (p.Gln645*) in the LOXL3 gene. It is expected to result in an absent or disrupted protein product. However, the current clinical and genetic evidence is not sufficient to establish whether loss-of-function variants in LOXL3 cause disease.

NM_032603.5(LOXL3):c.1933C>T (p.Gln645Ter)

Gene: LOXL3 (lysyl oxidase like 3; minus strand). Cytogenetic location: 2p13.1.
Variant type: single nucleotide variant.
Coding change: c.1933C>T on transcript NM_032603.5 (MANE Select); coding-DNA position 1933, C replaced by T.
Protein change: p.Gln645Ter; replaces glutamine 645 with a stop codon.
Molecular consequence: nonsense.
Genome position (GRCh38, 1-based): chr2:74,534,322, G>A on the plus strand (C>T on the coding strand, the complement: LOXL3 is on the minus strand). VCF-style: chr2-74534322-G-A. GRCh37 (hg19) VCF-style: chr2-74761449-G-A.
Other names: c.1498C>T, p.Gln500Ter (NM_001289164.3); c.850C>T, p.Gln284Ter (NM_001289165.2); short protein forms Q284*, Q500*, Q645*.
Identifiers: ClinVar variation 2820140 (VCV002820140.3), dbSNP rs2529925461, ClinGen allele CA347384975.